The following is an entry in ClinVar:

NM_030957.4(ADAMTS10):c.2265G>A (p.Leu755=)

Gene: ADAMTS10 (ADAM metallopeptidase with thrombospondin type 1 motif 10; minus strand). Cytogenetic location: 19p13.2.
Variant type: single nucleotide variant.
Coding change: c.2265G>A on transcript NM_030957.4 (MANE Select); coding-DNA position 2265, G replaced by A.
Protein change: p.Leu755=; no amino-acid change (leucine 755 retained).
Molecular consequence: synonymous variant.
Genome position (GRCh38, 1-based): chr19:8,586,696, C>T on the plus strand (G>A on the coding strand, the complement: ADAMTS10 is on the minus strand). VCF-style: chr19-8586696-C-T. GRCh37 (hg19) VCF-style: chr19-8651580-C-T.
Other names: c.726G>A, p.Leu242= (NM_001282352.2); c.2265G>A (NM_030957.3).
Identifiers: ClinVar variation 1538070 (VCV001538070.10), dbSNP rs782606840, ClinGen allele CA9160150.
Genomic context (GRCh38, chr19:8,586,696, plus strand): 5'-GGTGGTCCCAGCTAGAGGCAGACGGTGGGGCTGGGGGGTCCCAGGCAGCCCCTCCAGCAG[C>T]AGGGACTCCTGGTCTCCCTTCAGGGCTGGGGGACGATGCAGGGTTCAGAATTCTAGTCAT-3'
Protein context (NP_112219.3, residues 745-765): HLALKGDQES[Leu755=]LLEGLPGTPQ

ClinVar aggregate classification (germline): Likely benign. Review status: criteria provided, single submitter (1 of 4 stars). 2 submissions from 2 submitters: Likely benign (1). 1 of the submissions does not count toward it. Last evaluated 2024-03-17.

Conditions:
ADAMTS10-related disorder. Also called: ADAMTS10-related condition.

Allele frequency attached by ClinVar (database versions not stated): gnomAD exomes below 0.00001 and 0.00002; gnomAD 0.00001; ExAC 0.00002; TOPMed 0.00003.
gnomAD v4.1: 6 of 1,613,138 alleles (0.00037%); highest among the groups gnomAD compares: African/African-American, 0.004%; no homozygotes.

Submissions (2):

Labcorp Genetics (formerly Invitae), Labcorp
Classification: Likely benign. Last evaluated: 2024-03-17. Review status: criteria provided, single submitter. Criteria: Invitae Variant Classification Sherloc (09022015). Collection method: clinical testing. Allele origin: germline.

PreventionGenetics, part of Exact Sciences
Classification: Likely benign for ADAMTS10-related condition. Last evaluated: 2022-04-18. Review status: no assertion criteria provided. Collection method: clinical testing. Allele origin: germline. Not counted in ClinVar's aggregate classification.
Comment: This variant is classified as likely benign based on ACMG/AMP sequence variant interpretation guidelines (Richards et al. 2015 PMID: 25741868, with internal and published modifications).